The following is an entry in ClinVar:

ClinVar aggregate classification (germline): Uncertain significance (1 of 4 stars; one submission).

Conditions:
Hereditary cancer-predisposing syndrome. Also called: Neoplastic Syndromes, Hereditary; Tumor predisposition; Hereditary Cancer Syndrome; Hereditary neoplastic syndrome. Identifiers: Orphanet 140162, MedGen C0027672, MeSH D009386, MONDO:0015356.

Submission:

Ambry Genetics
Classification: Uncertain significance for Hereditary cancer-predisposing syndrome. Last evaluated: 2026-02-23. Review status: criteria provided, single submitter. Criteria: Ambry Variant Classification Scheme 2023. Collection method: clinical testing. Allele origin: germline.
Comment: The c.1418-2A>G intronic variant results from an A to G substitution two nucleotides upstream from coding exon 16 in the CDC73 gene. Alterations that disrupt the canonical splice site are expected to result in aberrant splicing. In silico splice site analysis predicts that this alteration will weaken the native splice acceptor site and will result in the creation or strengthening of a novel splice acceptor site. A resulting transcript is predicted to be in-frame deletion and is not expected to trigger nonsense-mediated mRNAdecay. RNA studies have demonstrated that this alteration results in a transcript predicted to lead to a protein with an in-frame deletion of 3 amino acids and insertion of 1 amino acid; however, the exact functional impact of the inserted/deleted amino acids is unknown at this time (Ambry internal data). This nucleotide position is highly conserved in available vertebrate species. Based on the available evidence, the clinical significance of this variant remains unclear.

NM_024529.5(CDC73):c.1418-2A>G

Gene: CDC73 (cell division cycle 73; plus strand). Cytogenetic location: 1q31.2.
Variant type: single nucleotide variant.
Coding change: c.1418-2A>G on transcript NM_024529.5 (MANE Select); the canonical splice acceptor site of the intron before coding-DNA position 1418, A replaced by G.
Molecular consequence: splice acceptor variant.
Genome position (GRCh38, 1-based): chr1:193,249,728, A>G. VCF-style: chr1-193249728-A-G. GRCh37 (hg19) VCF-style: chr1-193218858-A-G.
Identifiers: ClinVar variation 4631593 (VCV004631593.2).
Genomic context (GRCh38, chr1:193,249,728, plus strand): 5'-AAATTTTTTTCTTTTTTTTTATTTTGAGTAAAAATGATAACTTCTCTCCACCCTCTCTAT[A>G]GTTAAAGCCTTCCATCTGAAGTATGATGAAGTTCGTCTGGATCCAAATGTTCAGAAATGG-3'